The following is an entry in ClinVar:

NM_006904.7(PRKDC):c.2618T>G (p.Val873Gly)

Gene: PRKDC (protein kinase, DNA-activated, catalytic subunit; minus strand). Cytogenetic location: 8q11.21.
Variant type: single nucleotide variant.
Coding change: c.2618T>G on transcript NM_006904.7 (MANE Select); coding-DNA position 2618, T replaced by G.
Protein change: p.Val873Gly; replaces valine 873 with glycine.
Molecular consequence: missense variant.
Genome position (GRCh38, 1-based): chr8:47,914,064, A>C on the plus strand (T>G on the coding strand, the complement: PRKDC is on the minus strand). VCF-style: chr8-47914064-A-C. GRCh37 (hg19) VCF-style: chr8-48826624-A-C.
Other names: c.2618T>G, p.Val873Gly (NM_001081640.2); short protein forms V873G.
Identifiers: ClinVar variation 3425307 (VCV003425307.1).
Genomic context (GRCh38, chr8:47,914,064, plus strand): 5'-CTCAGCCGCTTCTCTCTGTCCCAGGCCACATAGCTCTTCATCATCTCATCTGAGGACGTG[A>C]CTGTTAGAAAAGATTTAAGAAGAATGAAACACTTTTTTTCTTTTTATTAGTGTCAGAATT-3'
Protein context (NP_008835.5, residues 863-883): GGQINKNLLT[Val873Gly]TSSDEMMKSY

ClinVar aggregate classification (germline): Uncertain significance (1 of 4 stars; one submission).

Submission:

Ambry Genetics
Classification: Uncertain significance. Last evaluated: 2024-08-22. Review status: criteria provided, single submitter. Criteria: Ambry Variant Classification Scheme 2023. Collection method: clinical testing. Allele origin: germline.
Comment: The p.V873G variant (also known as c.2618T>G) is located in coding exon 24 of the PRKDC gene. The valine at codon 873 is replaced by glycine, an amino acid with dissimilar properties. This change occurs in the first base pair of coding exon 24. This amino acid position is conserved. In addition, this alteration is predicted to be tolerated by in silico analysis. Based on the available evidence, the clinical significance of this variant remains unclear.